The following is an entry in ClinVar:

NM_001384140.1(PCDH15):c.462C>T (p.Ala154=)

Gene: PCDH15 (protocadherin related 15; minus strand). Cytogenetic location: 10q21.1.
Variant type: single nucleotide variant.
Coding change: c.462C>T on transcript NM_001384140.1 (MANE Select); coding-DNA position 462, C replaced by T.
Protein change: p.Ala154=; no amino-acid change (alanine 154 retained).
Molecular consequence: synonymous variant.
Genome position (GRCh38, 1-based): chr10:54,369,132, G>A on the plus strand (C>T on the coding strand, the complement: PCDH15 is on the minus strand). VCF-style: chr10-54369132-G-A. GRCh37 (hg19) VCF-style: chr10-56128892-G-A.
Other names: c.477C>T, p.Ala159= (NM_001142763.2, NM_001142769.4, NM_001142771.2); c.462C>T, p.Ala154= (NM_001142764.2, NM_001142765.2, NM_001142766.2 and 8 more transcripts); c.396C>T, p.Ala132= (NM_001142768.2, NM_001142773.2, NM_001354404.2).
Identifiers: ClinVar variation 667149 (VCV000667149.13), dbSNP rs1344094704, ClinGen allele CA469525563.

ClinVar aggregate classification (germline): Likely benign. Review status: criteria provided, multiple submitters, no conflicts (2 of 4 stars). 3 submissions from 3 submitters: Likely benign (3). Last evaluated 2023-07-17.

Allele frequency attached by ClinVar (database versions not stated): gnomAD exomes below 0.00001 and 0.00001; TOPMed below 0.00001.
gnomAD v4.1: 4 of 1,612,762 alleles (0.00025%); highest among the groups gnomAD compares: Admixed American, 0.005%; no homozygotes.

Submissions (3):

Labcorp Genetics (formerly Invitae), Labcorp
Classification: Likely benign. Last evaluated: 2023-07-17. Review status: criteria provided, single submitter. Criteria: Invitae Variant Classification Sherloc (09022015). Collection method: clinical testing. Allele origin: germline.

Blueprint Genetics
Classification: Likely benign. Last evaluated: 2018-11-13. Review status: criteria provided, single submitter. Criteria: ACMG Guidelines, 2015. Collection method: clinical testing. Allele origin: germline.

Laboratory for Molecular Medicine, Mass General Brigham Personalized Medicine
Classification: Likely benign. Last evaluated: 2018-10-02. Review status: criteria provided, single submitter. Criteria: LMM Criteria. Collection method: clinical testing. Allele origin: germline. Observed: 1 variant allele.
Comment: The p.Ala154Ala variant in PCDH15 is classified as likely benign because it does not alter an amino acid residue, is not located within the splice consensus seq uence, and splice prediction algorithms do not predict a newly created splice si te. This variant has been identified in 0.006% (2/33460) of Latino chromosomes by gnomAD. ACMG/AMP Criteria applied: BP4, BP 7, PM2.